The following is an entry in ClinVar:

ClinVar aggregate classification (germline): Pathogenic (1 of 4 stars; one submission).

Conditions:
Fanconi anemia (FA). Also called: Fanconi's anemia. Identifiers: Orphanet 84, MedGen C0015625, MeSH D005199, MONDO:0019391.

Submission:

Labcorp Genetics (formerly Invitae), Labcorp
Classification: Pathogenic for Fanconi anemia. Last evaluated: 2023-04-25. Review status: criteria provided, single submitter. Criteria: Invitae Variant Classification Sherloc (09022015). Collection method: clinical testing. Allele origin: germline.
Comment: This variant has not been reported in the literature in individuals affected with FANCG-related conditions. ClinVar contains an entry for this variant (Variation ID: 1075003). Algorithms developed to predict the effect of sequence changes on RNA splicing suggest that this variant may disrupt the consensus splice site. For these reasons, this variant has been classified as Pathogenic. This variant is not present in population databases (gnomAD no frequency). This sequence change creates a premature translational stop signal (p.Gln345*) in the FANCG gene. It is expected to result in an absent or disrupted protein product. Loss-of-function variants in FANCG are known to be pathogenic (PMID: 12552564).

Literature cited by the submitters: PubMed 12552564.

NM_004629.2(FANCG):c.1033C>T (p.Gln345Ter)

Gene: FANCG (FA complementation group G; minus strand). Cytogenetic location: 9p13.3.
Variant type: single nucleotide variant.
Coding change: c.1033C>T on transcript NM_004629.2 (MANE Select); coding-DNA position 1033, C replaced by T.
Protein change: p.Gln345Ter; replaces glutamine 345 with a stop codon.
Molecular consequence: nonsense.
Genome position (GRCh38, 1-based): chr9:35,076,475, G>A on the plus strand (C>T on the coding strand, the complement: FANCG is on the minus strand). VCF-style: chr9-35076475-G-A. GRCh37 (hg19) VCF-style: chr9-35076472-G-A.
Other names: short protein forms Q345*.
Identifiers: ClinVar variation 1075003 (VCV001075003.8), dbSNP rs2131055360, ClinGen allele CA373310728.